The following is an entry in ClinVar:

NM_025114.4(CEP290):c.3428A>G (p.Lys1143Arg)

Gene: CEP290 (centrosomal protein 290; minus strand). Cytogenetic location: 12q21.32.
Variant type: single nucleotide variant.
Coding change: c.3428A>G on transcript NM_025114.4 (MANE Select); coding-DNA position 3428, A replaced by G.
Protein change: p.Lys1143Arg; replaces lysine 1143 with arginine.
Molecular consequence: missense variant.
Genome position (GRCh38, 1-based): chr12:88,092,714, T>C on the plus strand (A>G on the coding strand, the complement: CEP290 is on the minus strand). VCF-style: chr12-88092714-T-C. GRCh37 (hg19) VCF-style: chr12-88486491-T-C.
Other names: short protein forms K1143R.
Identifiers: ClinVar variation 967891 (VCV000967891.8), dbSNP rs772550529, ClinGen allele CA6712144.
Genomic context (GRCh38, chr12:88,092,714, plus strand): 5'-ATGGCTAAAATGCTTATATGCACTTACTTTGACACTTCAACTTTTAGTTCCATTTCATTC[T>C]TCTCTAATTCTAGAATCCGTTGCCTATCAGCATCACTTACTGCCTTGCTCACACTATCAG-3'
Protein context (NP_079390.3, residues 1133-1153): ADRQRILELE[Lys1143Arg]NEMELKVEVS

ClinVar aggregate classification (germline): Uncertain significance. Review status: criteria provided, multiple submitters, no conflicts (2 of 4 stars). 4 submissions from 4 submitters: Uncertain significance (3). 1 of the submissions does not count toward it. Last evaluated 2025-05-19.

Conditions:
CEP290-related disorder. Also called: CEP290-related condition; CEP290-related disorders. Identifiers: MedGen CN239314.
Leber congenital amaurosis (LCA). Also called: Leber's amaurosis. Identifiers: Orphanet 65, MedGen C0339527, MeSH D057130, MONDO:0018998.
Nephronophthisis. Also called: Juvenile Nephronophthisis. Identifiers: Orphanet 655, MedGen C0687120, MONDO:0019005, HP:0000090.
Meckel-Gruber syndrome. Also called: GRUBER SYNDROME; Dysencephalia splachnocystica; DYSENCEPHALIA SPLANCHNOCYSTICA. Identifiers: Orphanet 564, MedGen C0265215, MONDO:0018921.
Joubert syndrome. Also called: Familial aplasia of the vermis; JOUBERT-BOLTSHAUSER SYNDROME. Identifiers: Orphanet 475, MedGen C5979921, MONDO:0018772.

Allele frequency attached by ClinVar (database versions not stated): gnomAD exomes 0.00001 and 0.00003; TOPMed 0.00001; ExAC 0.00002; gnomAD 0.00002.
gnomAD v4.1: 12 of 1,610,084 alleles (0.00075%); highest among the groups gnomAD compares: East Asian, 0.025%; no homozygotes.

Submissions (4):

PreventionGenetics, part of Exact Sciences
Classification: Uncertain significance for CEP290-related condition. Last evaluated: 2025-05-19. Review status: criteria provided, single submitter. Criteria: ACMG Guidelines, 2015. Collection method: clinical testing. Allele origin: germline.
Comment: The CEP290 c.3428A>G variant is predicted to result in the amino acid substitution p.Lys1143Arg. To our knowledge, this variant has not been reported in the literature. This variant is reported in 0.047% of alleles in individuals of East Asian descent in gnomAD. At this time, the clinical significance of this variant is uncertain due to the absence of conclusive functional and genetic evidence.

Labcorp Genetics (formerly Invitae), Labcorp
Classification: Uncertain significance for Joubert syndrome; Meckel-Gruber syndrome; Nephronophthisis. Last evaluated: 2024-05-22. Review status: criteria provided, single submitter. Criteria: Invitae Variant Classification Sherloc (09022015). Collection method: clinical testing. Allele origin: germline.
Comment: This sequence change replaces lysine, which is basic and polar, with arginine, which is basic and polar, at codon 1143 of the CEP290 protein (p.Lys1143Arg). This variant is present in population databases (rs772550529, gnomAD 0.05%). This variant has not been reported in the literature in individuals affected with CEP290-related conditions. ClinVar contains an entry for this variant (Variation ID: 967891). Advanced modeling of protein sequence and biophysical properties (such as structural, functional, and spatial information, amino acid conservation, physicochemical variation, residue mobility, and thermodynamic stability) performed at Invitae indicates that this missense variant is not expected to disrupt CEP290 protein function with a negative predictive value of 80%. In summary, the available evidence is currently insufficient to determine the role of this variant in disease. Therefore, it has been classified as a Variant of Uncertain Significance.

Blueprint Genetics
Classification: Uncertain significance. Last evaluated: 2021-12-14. Review status: criteria provided, single submitter. Criteria: ACMG Guidelines, 2015. Collection method: clinical testing. Allele origin: germline.

Natera, Inc.
Classification: Uncertain significance for Leber congenital amaurosis. Last evaluated: 2020-02-21. Review status: no assertion criteria provided. Collection method: clinical testing. Allele origin: germline. Not counted in ClinVar's aggregate classification.